The following is an entry in ClinVar:

NM_016284.5(CNOT1):c.2959C>G (p.His987Asp)

Gene: CNOT1 (CCR4-NOT transcription complex subunit 1; minus strand). Cytogenetic location: 16q21.
Variant type: single nucleotide variant.
Coding change: c.2959C>G on transcript NM_016284.5 (MANE Select); coding-DNA position 2959, C replaced by G.
Protein change: p.His987Asp; replaces histidine 987 with aspartic acid.
Molecular consequence: missense variant. On other transcripts: non-coding transcript variant (1).
Genome position (GRCh38, 1-based): chr16:58,553,793, G>C on the plus strand (C>G on the coding strand, the complement: CNOT1 is on the minus strand). VCF-style: chr16-58553793-G-C. GRCh37 (hg19) VCF-style: chr16-58587697-G-C.
Other names: c.2944C>G, p.His982Asp (NM_001265612.2); c.2959C>G, p.His987Asp (NM_206999.3); c.2944C>G (NM_001265612.1); short protein forms H982D, H987D.
Identifiers: ClinVar variation 2536867 (VCV002536867.3), dbSNP rs764165127, ClinGen allele CA396173182.

ClinVar aggregate classification (germline): Uncertain significance. Review status: criteria provided, multiple submitters, no conflicts (2 of 4 stars). 2 submissions from 2 submitters: Uncertain significance (2). Last evaluated 2026-03-26.

Conditions:
Inborn genetic diseases. Identifiers: MedGen C0950123, MeSH D030342.

Submissions (2):

GeneDx
Classification: Uncertain significance. Last evaluated: 2026-03-26. Review status: criteria provided, single submitter. Criteria: GeneDx Variant Classification Process June 2021. Collection method: clinical testing. Allele origin: germline.
Comment: In silico analysis supports that this missense variant has a deleterious effect on protein structure/function; Not observed at significant frequency in large population cohorts (gnomAD); Has not been previously published as pathogenic or benign to our knowledge

Ambry Genetics
Classification: Uncertain significance for Inborn genetic diseases. Last evaluated: 2023-04-13. Review status: criteria provided, single submitter. Criteria: Ambry Variant Classification Scheme 2023. Collection method: clinical testing. Allele origin: germline.